The following is an entry in ClinVar:

NC_000012.11:g.(33003908_33021860)_(33049712_?)dup

Gene: PKP2 (plakophilin 2; minus strand). Cytogenetic location: 12p11.21.
Variant type: Duplication.
Identifiers: ClinVar variation 4853106 (VCV004853106.1).

ClinVar aggregate classification (germline): Uncertain significance (1 of 4 stars; one submission).

Submission:

Women's Health and Genetics/Laboratory Corporation of America, LabCorp
Classification: Uncertain significance. Last evaluated: 2026-05-29. Review status: criteria provided, single submitter. Criteria: LabCorp Variant Classification Summary - May 2015. Collection method: clinical testing. Allele origin: germline.
Comment: Variant summary: The variant involves the duplication of exons 1-4 in the PKP2 gene. A presumed nomenclature of c.(?_-47)_(1170+1_1171-1)dup has been designated for the purposes of this classification. The exact breakpoint at the 5' end of this variant is unknown, therefore this duplication may extend upstream of the annotated region of this gene. It is predicted to duplicate a segment including the initiation codon, therefore its impact on the encoded protein is unknown.The variant was absent in 21694 control chromosomes. The available data on variant occurrences in the general population are insufficient to allow any conclusion about variant significance. To our knowledge, no occurrence of c.(?_-47)_(1170+1_1171-1)dup in individuals affected with PKP2-related conditions and no experimental evidence demonstrating its impact on protein function have been reported. ClinVar contains an entry for this variant (Variation ID: 2425175). Based on the evidence outlined above, the variant was classified as uncertain significance.